The following is an entry in ClinVar:

NM_021098.3(CACNA1H):c.4510G>A (p.Asp1504Asn)

Gene: CACNA1H (calcium voltage-gated channel subunit alpha1 H; plus strand). Cytogenetic location: 16p13.3.
Variant type: single nucleotide variant.
Coding change: c.4510G>A on transcript NM_021098.3 (MANE Select); coding-DNA position 4510, G replaced by A.
Protein change: p.Asp1504Asn; replaces aspartic acid 1504 with asparagine.
Molecular consequence: missense variant.
Genome position (GRCh38, 1-based): chr16:1,211,749, G>A. VCF-style: chr16-1211749-G-A. GRCh37 (hg19) VCF-style: chr16-1261749-G-A.
Other names: c.4510G>A, p.Asp1504Asn (NM_001005407.2); short protein forms D1504N.
Identifiers: ClinVar variation 1043817 (VCV001043817.8), dbSNP rs1969476982, ClinGen allele CA394180256.

ClinVar aggregate classification (germline): Uncertain significance (1 of 4 stars; one submission).

Conditions:
Idiopathic generalized epilepsy. Also called: EIG; Generalised epilepsy. Identifiers: MedGen C0270850, MONDO:0005579, OMIM 600669.
Hyperaldosteronism, familial, type IV (HALD4). Also called: FH IV; ALDOSTERONISM, PRIMARY, AND HYPERTENSION. Identifiers: Orphanet 642671, MedGen C4310756, MONDO:0014875, OMIM 617027.

Submission:

Labcorp Genetics (formerly Invitae), Labcorp
Classification: Uncertain significance for Idiopathic generalized epilepsy; Hyperaldosteronism, familial, type IV. Last evaluated: 2020-12-19. Review status: criteria provided, single submitter. Criteria: Invitae Variant Classification Sherloc (09022015). Collection method: clinical testing. Allele origin: germline.
Comment: In summary, the available evidence is currently insufficient to determine the role of this variant in disease. Therefore, it has been classified as a Variant of Uncertain Significance. Algorithms developed to predict the effect of missense changes on protein structure and function are either unavailable or do not agree on the potential impact of this missense change (SIFT: "Deleterious"; PolyPhen-2: "Probably Damaging"; Align-GVGD: "Class C15"). This variant has not been reported in the literature in individuals with CACNA1H-related conditions. This variant is not present in population databases (ExAC no frequency). This sequence change replaces aspartic acid with asparagine at codon 1504 of the CACNA1H protein (p.Asp1504Asn). The aspartic acid residue is highly conserved and there is a small physicochemical difference between aspartic acid and asparagine.